The following is an entry in ClinVar:

ClinVar aggregate classification (germline): Uncertain significance (1 of 4 stars; one submission).

Conditions:
Severe combined immunodeficiency, autosomal recessive, T cell-negative, B cell-negative, NK cell-positive. Also called: Severe combined immunodeficiency due to complete RAG1/2 deficiency; SCID, AR, T-cell negative, B-cell negative, NK cell-positive; SCID, T CELL-NEGATIVE, B CELL-NEGATIVE, NK CELL-POSITIVE. Identifiers: Orphanet 331206, MedGen C1832322, MONDO:0011086, OMIM 601457.
Combined immunodeficiency with skin granulomas. Identifiers: Orphanet 157949, MedGen C2673536, MONDO:0009306, OMIM 233650.

Submission:

Labcorp Genetics (formerly Invitae), Labcorp
Classification: Uncertain significance for Combined immunodeficiency with skin granulomas; Severe combined immunodeficiency, autosomal recessive, T cell-negative, B cell-negative, NK cell-positive. Last evaluated: 2018-04-10. Review status: criteria provided, single submitter. Criteria: Invitae Variant Classification Sherloc (09022015). Collection method: clinical testing. Allele origin: germline.
Comment: This sequence change replaces alanine with valine at codon 64 of the RAG1 protein (p.Ala64Val). The alanine residue is weakly conserved and there is a small physicochemical difference between alanine and valine. This variant is not present in population databases (ExAC no frequency). This variant has not been reported in the literature in individuals with RAG1-related disease. Algorithms developed to predict the effect of missense changes on protein structure and function output the following: SIFT: "Tolerated"; PolyPhen-2: "Benign"; Align-GVGD: "Class C0". The valine amino acid residue is found in multiple mammalian species, suggesting that this missense change does not adversely affect protein function. These predictions have not been confirmed by published functional studies and their clinical significance is uncertain. In summary, the available evidence is currently insufficient to determine the role of this variant in disease. Therefore, it has been classified as a Variant of Uncertain Significance.

NM_000448.3(RAG1):c.191C>T (p.Ala64Val)

Gene: RAG1 (recombination activating 1; plus strand). Cytogenetic location: 11p12.
Variant type: single nucleotide variant.
Coding change: c.191C>T on transcript NM_000448.3 (MANE Select); coding-DNA position 191, C replaced by T.
Protein change: p.Ala64Val; replaces alanine 64 with valine.
Molecular consequence: missense variant.
Genome position (GRCh38, 1-based): chr11:36,573,495, C>T. VCF-style: chr11-36573495-C-T. GRCh37 (hg19) VCF-style: chr11-36595045-C-T.
Other names: c.191C>T, p.Ala64Val (NM_001377277.1, NM_001377278.1, NM_001377279.1 and 1 more transcripts); short protein forms A64V.
Identifiers: ClinVar variation 566356 (VCV000566356.8), dbSNP rs1564988004, ClinGen allele CA380145847.